The following is an entry in ClinVar:

ClinVar aggregate classification (germline): Pathogenic (1 of 4 stars; one submission).

Allele frequency attached by ClinVar (database versions not stated): gnomAD 0.00001; TOPMed below 0.00001.
gnomAD v4.1: 1 of 1,611,620 alleles (0.000062%); highest among the groups gnomAD compares: African/African-American, 0.0014%; no homozygotes.

Submission:

GeneDx
Classification: Pathogenic. Last evaluated: 2017-07-28. Review status: criteria provided, single submitter. Criteria: GeneDx Variant Classification (06012015). Collection method: clinical testing. Allele origin: germline. Affected: yes.
Comment: The Q3199X variant in the FLG gene has not been reported previously as a pathogenic variant nor as a benign variant, to our knowledge. This variant is predicted to cause loss of normal protein function through protein truncation. The Q3199X variant is not observed in large population cohorts (Lek et al., 2016; 1000 Genomes Consortium et al., 2015; Exome Variant Server). We interpret Q3199X as a pathogenic variant.

NM_002016.2(FLG):c.9595C>T (p.Gln3199Ter)

Genes: FLG (filaggrin; minus strand), FLG-AS1 (FLG antisense RNA 1; plus strand). Cytogenetic location: 1q21.3.
Variant type: single nucleotide variant.
Coding change: c.9595C>T on transcript NM_002016.2 (MANE Select); coding-DNA position 9595, C replaced by T.
Protein change: p.Gln3199Ter; replaces glutamine 3199 with a stop codon.
Molecular consequence: nonsense.
Genome position (GRCh38, 1-based): chr1:152,305,291, G>A on the plus strand (C>T on the coding strand, the complement: FLG is on the minus strand). VCF-style: chr1-152305291-G-A. GRCh37 (hg19) VCF-style: chr1-152277767-G-A.
Other names: short protein forms Q3199*.
Identifiers: ClinVar variation 450599 (VCV000450599.2), dbSNP rs1553211362, ClinGen allele CA342077240.